The following is an entry in ClinVar:

ClinVar aggregate classification (germline): Benign. Review status: criteria provided, multiple submitters, no conflicts (2 of 4 stars). 2 submissions from 2 submitters: Benign (2). Last evaluated 2018-01-12.

Conditions:
Retinitis pigmentosa (RP). Identifiers: Orphanet 791, MedGen C0035334, MeSH D012174, MONDO:0019200, OMIM 268000. Inheritance: Autosomal dominant, autosomal recessive and X linked inheritance.

Allele frequency attached by ClinVar (database versions not stated): ESP Exome Variant Server 0.00255; gnomAD 0.00267 and 0.00279; TOPMed 0.00282; 1000 Genomes Project 0.00439; 1000 Genomes Project 30x 0.00468; gnomAD exomes 0.00073; ExAC 0.00087.
gnomAD v4.1: 796 of 1,541,598 alleles (0.052%); highest among the groups gnomAD compares: African/African-American, 0.87%; 3 homozygotes.

Submissions (2):

Illumina Laboratory Services, Illumina
Classification: Benign for Retinitis pigmentosa. Last evaluated: 2018-01-12. Review status: criteria provided, single submitter. Criteria: ICSL Variant Classification Criteria 13 December 2019. Collection method: clinical testing. Allele origin: germline.
Comment: This variant was observed in the ICSL laboratory as part of a predisposition screen in an ostensibly healthy population. It had not been previously curated by ICSL or reported in the Human Gene Mutation Database (HGMD: prior to June 1st, 2018), and was therefore a candidate for classification through an automated scoring system. Utilizing variant allele frequency, disease prevalence and penetrance estimates, and inheritance mode, an automated score was calculated to assess if this variant is too frequent to cause the disease. Based on the score and internal cut-off values, a variant classified as benign is not then subjected to further curation. The score for this variant resulted in a classification of benign for this disease.

Breakthrough Genomics
Classification: Benign. Review status: criteria provided, single submitter. Criteria: ACMG Guidelines, 2015. Collection method: not provided. Allele origin: germline. Inheritance: Unknown mechanism. Affected: yes.

NM_000717.5(CA4):c.-47C>G

Gene: CA4 (carbonic anhydrase 4; plus strand). Cytogenetic location: 17q23.1.
Variant type: single nucleotide variant.
Coding change: c.-47C>G on transcript NM_000717.5 (MANE Select); 47 bases upstream of the start codon, C replaced by G.
Molecular consequence: 5 prime UTR variant. On other transcripts: non-coding transcript variant (1).
Genome position (GRCh38, 1-based): chr17:60,149,988, C>G. VCF-style: chr17-60149988-C-G. GRCh37 (hg19) VCF-style: chr17-58227349-C-G.
Identifiers: ClinVar variation 324224 (VCV000324224.6), dbSNP rs367981628, ClinGen allele CA8685162.